The following is an entry in ClinVar:

NM_144670.6(A2ML1):c.3364C>T (p.Arg1122Trp)

Gene: A2ML1 (alpha-2-macroglobulin like 1; plus strand). Cytogenetic location: 12p13.31.
Variant type: single nucleotide variant.
Coding change: c.3364C>T on transcript NM_144670.6 (MANE Select); coding-DNA position 3364, C replaced by T.
Protein change: p.Arg1122Trp; replaces arginine 1122 with tryptophan.
Molecular consequence: missense variant.
Genome position (GRCh38, 1-based): chr12:8,861,159, C>T. VCF-style: chr12-8861159-C-T. GRCh37 (hg19) VCF-style: chr12-9013755-C-T.
Other names: c.1891C>T, p.Arg631Trp (NM_001282424.3); short protein forms R1122W, R631W.
Identifiers: ClinVar variation 384669 (VCV000384669.21), dbSNP rs1860967, ClinGen allele CA6436364.
Genomic context (GRCh38, chr12:8,861,159, plus strand): 5'-GCCTTATAAGTTATAGTCTTCATCTTCACTTTTTAGGACCCAATGGTGAGTCAGGGTCTA[C>T]GGTGTCTCAAGAATTCGGCCACCTCCACGACCAACCTCTACACACAGGCCCTGTTGGCTT-3'
Protein context (NP_653271.3, residues 1112-1132): VDDPMVSQGL[Arg1122Trp]CLKNSATSTT

ClinVar aggregate classification (germline): Benign/Likely benign. Review status: criteria provided, multiple submitters, no conflicts (2 of 4 stars). 9 submissions from 9 submitters: Benign (5); Likely benign (1). 3 of the submissions do not count toward it. Last evaluated 2026-02-04.

Conditions:
Otitis media, susceptibility to (OMS). Also called: OTITIS MEDIA, CHRONIC/RECURRENT; COME/ROM. Identifiers: MedGen C1833692, MONDO:0008162, OMIM 166760.

Allele frequency attached by ClinVar (database versions not stated): TOPMed 0.34587; gnomAD exomes 0.39533 and 0.44334; 1000 Genomes Project 30x 0.41943; ExAC 0.43211; 1000 Genomes Project 0.43231; ESP Exome Variant Server 0.30165; gnomAD 0.33038 and 0.34567.
gnomAD v4.1: 631,030 of 1,613,616 alleles (39%); highest among the groups gnomAD compares: East Asian, 81%; 132,860 homozygotes.

Submissions (9):

Labcorp Genetics (formerly Invitae), Labcorp
Classification: Benign. Last evaluated: 2026-02-04. Review status: criteria provided, single submitter. Criteria: Invitae Variant Classification Sherloc (09022015). Collection method: clinical testing. Allele origin: germline.

Blueprint Genetics
Classification: Likely benign. Last evaluated: 2024-11-27. Review status: criteria provided, single submitter. Criteria: ACMG Guidelines, 2015. Collection method: clinical testing. Allele origin: germline.

Women's Health and Genetics/Laboratory Corporation of America, LabCorp
Classification: Benign. Last evaluated: 2019-08-12. Review status: criteria provided, single submitter. Criteria: LabCorp Variant Classification Summary - May 2015. Collection method: clinical testing. Allele origin: germline.
Comment: Variant summary: A2ML1 c.3364C>T (p.Arg1122Trp) results in a non-conservative amino acid change located in the Alpha-macroglobulin-like, TED domain of the encoded protein sequence. Three of five in-silico tools predict a benign effect of the variant on protein function. The variant allele was found at a frequency of 0.44 in 249494 control chromosomes, predominantly at a frequency of 0.78 within the East Asian subpopulation in the gnomAD database, including 5507 homozygotes. Therefore, suggesting the variant is the major allele in population(s) of East Asian origin. A ClinVar submission (evaluation after 2014) cites the variant as benign. Based on the evidence outlined above, the variant was classified as benign.

Mendelics
Classification: Benign for Otitis media, susceptibility to. Last evaluated: 2019-05-28. Review status: criteria provided, single submitter. Criteria: Mendelics Assertion Criteria 2017. Collection method: clinical testing. Allele origin: unknown.

GeneDx
Classification: Benign. Last evaluated: 2016-09-25. Review status: criteria provided, single submitter. Criteria: GeneDx Variant Classification (06012015). Collection method: clinical testing. Allele origin: germline. Affected: yes.
Comment: This variant is considered likely benign or benign based on one or more of the following criteria: it is a conservative change, it occurs at a poorly conserved position in the protein, it is predicted to be benign by multiple in silico algorithms, and/or has population frequency not consistent with disease.

Breakthrough Genomics
Classification: Benign. Review status: criteria provided, single submitter. Criteria: ACMG Guidelines, 2015. Collection method: not provided. Allele origin: germline. Inheritance: Autosomal dominant inheritance. Affected: yes.

Clinical Genetics, Academic Medical Center
Classification: Benign. Review status: no assertion criteria provided. Collection method: clinical testing. Allele origin: germline. Affected: yes. Study: VKGL Data-share Consensus. Not counted in ClinVar's aggregate classification.

Diagnostic Laboratory, Department of Genetics, University Medical Center Groningen
Classification: Benign. Review status: no assertion criteria provided. Collection method: clinical testing. Allele origin: germline. Affected: yes. Study: VKGL Data-share Consensus. Not counted in ClinVar's aggregate classification.

Joint Genome Diagnostic Labs from Nijmegen and Maastricht, Radboudumc and MUMC+
Classification: Likely benign. Review status: no assertion criteria provided. Collection method: clinical testing. Allele origin: germline. Affected: yes. Study: VKGL Data-share Consensus. Not counted in ClinVar's aggregate classification.